The following is an entry in ClinVar:

ClinVar aggregate classification (germline): Uncertain significance (1 of 4 stars; one submission).

Conditions:
Long QT syndrome (LQTS). Identifiers: MedGen C0023976, MeSH D008133, MONDO:0002442. Disease mechanism: loss of function. Inheritance: Various modes of inheritance.

gnomAD v4.1: 2 of 1,609,272 alleles (0.00012%); highest among the groups gnomAD compares: East Asian, 0.0045%; no homozygotes.

Submission:

Labcorp Genetics (formerly Invitae), Labcorp
Classification: Uncertain significance for Long QT syndrome. Last evaluated: 2024-03-18. Review status: criteria provided, single submitter. Criteria: Invitae Variant Classification Sherloc (09022015). Collection method: clinical testing. Allele origin: germline.
Comment: This sequence change replaces alanine, which is neutral and non-polar, with aspartic acid, which is acidic and polar, at codon 1717 of the CACNA1C protein (p.Ala1717Asp). This variant is not present in population databases (gnomAD no frequency). This variant has not been reported in the literature in individuals affected with CACNA1C-related conditions. Advanced modeling of protein sequence and biophysical properties (such as structural, functional, and spatial information, amino acid conservation, physicochemical variation, residue mobility, and thermodynamic stability) performed at Invitae indicates that this missense variant is not expected to disrupt CACNA1C protein function with a negative predictive value of 95%. In summary, the available evidence is currently insufficient to determine the role of this variant in disease. Therefore, it has been classified as a Variant of Uncertain Significance.

NM_000719.7(CACNA1C):c.5150C>A (p.Ala1717Asp)

Genes: CACNA1C (calcium voltage-gated channel subunit alpha1 C; plus strand), CACNA1C-AS1 (CACNA1C antisense RNA 1; minus strand). Cytogenetic location: 12p13.33.
Variant type: single nucleotide variant.
Coding change: c.5150C>A on transcript NM_000719.7 (MANE Select); coding-DNA position 5150, C replaced by A.
Protein change: p.Ala1717Asp; replaces alanine 1717 with aspartic acid.
Molecular consequence: missense variant.
Genome position (GRCh38, 1-based): chr12:2,679,502, C>A. VCF-style: chr12-2679502-C-A. GRCh37 (hg19) VCF-style: chr12-2788668-C-A.
Other names: c.5294C>A, p.Ala1765Asp (NM_001129827.2, NM_199460.4); c.5273C>A, p.Ala1758Asp (NM_001129829.2); c.5150C>A, p.Ala1717Asp (NM_001129830.3, NM_001129840.2, NM_001129841.2 and 4 more transcripts); c.5234C>A, p.Ala1745Asp (NM_001129831.2); c.5210C>A, p.Ala1737Asp (NM_001129832.2); c.5207C>A, p.Ala1736Asp (NM_001129833.2, NM_001129834.2, NM_001129835.2); c.5201C>A, p.Ala1734Asp (NM_001129836.2); c.5174C>A, p.Ala1725Asp (NM_001129837.2, NM_001129838.2); and 3 more; short protein forms A1714D, A1717D, A1725D, A1758D, A1737D, A1723D, A1734D, A1736D.
Identifiers: ClinVar variation 3677837 (VCV003677837.2).